The following is an entry in ClinVar:

NM_016373.4(WWOX):c.214C>G (p.Gln72Glu)

Gene: WWOX (WW domain containing oxidoreductase; plus strand). Cytogenetic location: 16q23.1.
Variant type: single nucleotide variant.
Coding change: c.214C>G on transcript NM_016373.4 (MANE Select); coding-DNA position 214, C replaced by G.
Protein change: p.Gln72Glu; replaces glutamine 72 with glutamic acid.
Molecular consequence: missense variant. On other transcripts: 5 prime UTR variant (1), non-coding transcript variant (1).
Genome position (GRCh38, 1-based): chr16:78,109,819, C>G. VCF-style: chr16-78109819-C-G. GRCh37 (hg19) VCF-style: chr16-78143716-C-G.
Other names: c.214C>G (NM_016373.2); c.-126C>G (NM_001291997.2); c.214C>G, p.Gln72Glu (NM_130791.5); short protein forms Q72E.
Identifiers: ClinVar variation 863210 (VCV000863210.8), dbSNP rs201008667, ClinGen allele CA8183088.

ClinVar aggregate classification (germline): Uncertain significance. Review status: criteria provided, multiple submitters, no conflicts (2 of 4 stars). 3 submissions from 3 submitters: Uncertain significance (3). Last evaluated 2023-03-24.

Conditions:
Autosomal recessive spinocerebellar ataxia 12. Also called: SPINOCEREBELLAR ATAXIA WITH MENTAL RETARDATION AND EPILEPSY. Identifiers: Orphanet 284282, MedGen C3280452, MONDO:0013687, OMIM 614322.
Developmental and epileptic encephalopathy, 1 (DEE1). Also called: X-linked infantile spasms; West's syndrome; Tonic spasms with clustering, arrest of psychomotor development and hypsarrhythmia on EEG; X-Linked Infantile Spasm Syndrome; OHTAHARA SYNDROME, X-LINKED; Epileptic encephalopathy, early infantile, 1. Identifiers: MedGen C3463992, MONDO:0010632, OMIM 308350. Disease mechanism: loss of function.
Inborn genetic diseases. Identifiers: MedGen C0950123, MeSH D030342.

Allele frequency attached by ClinVar (database versions not stated): TOPMed 0.00002; gnomAD 0.00003 and 0.00004.
gnomAD v4.1: 13 of 1,613,986 alleles (0.00081%); highest among the groups gnomAD compares: African/African-American, 0.011%; no homozygotes.

Submissions (3):

Revvity Omics, Revvity
Classification: Uncertain significance. Last evaluated: 2023-03-24. Review status: criteria provided, single submitter. Criteria: ACMG Guidelines, 2015. Collection method: clinical testing. Allele origin: germline.

Ambry Genetics
Classification: Uncertain significance for Inborn genetic diseases. Last evaluated: 2022-11-17. Review status: criteria provided, single submitter. Criteria: Ambry Variant Classification Scheme 2023. Collection method: clinical testing. Allele origin: germline.

Labcorp Genetics (formerly Invitae), Labcorp
Classification: Uncertain significance for Developmental and epileptic encephalopathy, 1; Autosomal recessive spinocerebellar ataxia 12. Last evaluated: 2022-08-22. Review status: criteria provided, single submitter. Criteria: Invitae Variant Classification Sherloc (09022015). Collection method: clinical testing. Allele origin: germline.
Comment: This sequence change replaces glutamine, which is neutral and polar, with glutamic acid, which is acidic and polar, at codon 72 of the WWOX protein (p.Gln72Glu). This variant is present in population databases (rs201008667, gnomAD 0.02%). This variant has not been reported in the literature in individuals affected with WWOX-related conditions. ClinVar contains an entry for this variant (Variation ID: 863210). Algorithms developed to predict the effect of missense changes on protein structure and function are either unavailable or do not agree on the potential impact of this missense change (SIFT: "Not Available"; PolyPhen-2: "Benign"; Align-GVGD: "Not Available"). In summary, the available evidence is currently insufficient to determine the role of this variant in disease. Therefore, it has been classified as a Variant of Uncertain Significance.